The following is an entry in ClinVar:

ClinVar aggregate classification (germline): Uncertain significance (1 of 4 stars; one submission).

Submission:

Labcorp Genetics (formerly Invitae), Labcorp
Classification: Uncertain significance. Last evaluated: 2021-12-31. Review status: criteria provided, single submitter. Criteria: Invitae Variant Classification Sherloc (09022015). Collection method: clinical testing. Allele origin: germline.
Comment: This variant results in a copy number gain of the genomic region encompassing exon(s) 30-32 of the CCDC88A gene. This region includes the termination codon of the gene. This copy number gain extends beyond the assayed region for this gene and therefore may encompass additional genes. As the precise location of this event is unknown, it may be in tandem or it may be located elsewhere in the genome. This variant has not been reported in the literature in individuals affected with CCDC88A-related conditions. Experimental studies and prediction algorithms are not available or were not evaluated, and the functional significance of this variant is currently unknown. In summary, the available evidence is currently insufficient to determine the role of this variant in disease. Therefore, it has been classified as a Variant of Uncertain Significance.

NC_000002.11:g.(?_55518847)_(55523679_?)dup

Gene: CCDC88A (coiled-coil domain containing 88A; minus strand). Cytogenetic location: 2p16.1.
Variant type: Duplication.
Identifiers: ClinVar variation 2423803 (VCV002423803.3).